The following is an entry in ClinVar:

NM_152281.3(GORAB):c.667C>T (p.Arg223Trp)

Gene: GORAB (golgin, RAB6 interacting; plus strand). Cytogenetic location: 1q24.2.
Variant type: single nucleotide variant.
Coding change: c.667C>T on transcript NM_152281.3 (MANE Select); coding-DNA position 667, C replaced by T.
Protein change: p.Arg223Trp; replaces arginine 223 with tryptophan.
Molecular consequence: missense variant. On other transcripts: non-coding transcript variant (1).
Genome position (GRCh38, 1-based): chr1:170,552,019, C>T. VCF-style: chr1-170552019-C-T. GRCh37 (hg19) VCF-style: chr1-170521160-C-T.
Other names: c.202C>T, p.Arg68Trp (NM_001320252.2); c.616C>T, p.Arg206Trp (NM_001410894.1); short protein forms R206W, R223W, R68W.
Identifiers: ClinVar variation 2161368 (VCV002161368.1), dbSNP rs1181765739, ClinGen allele CA343164591.

ClinVar aggregate classification (germline): Uncertain significance (1 of 4 stars; one submission).

Allele frequency attached by ClinVar (database versions not stated): gnomAD 0.00001; gnomAD exomes 0.00001; TOPMed 0.00002.
gnomAD v4.1: 13 of 1,613,076 alleles (0.00081%); highest among the groups gnomAD compares: African/African-American, 0.0027%; no homozygotes.

Submission:

Labcorp Genetics (formerly Invitae), Labcorp
Classification: Uncertain significance. Last evaluated: 2022-05-12. Review status: criteria provided, single submitter. Criteria: Invitae Variant Classification Sherloc (09022015). Collection method: clinical testing. Allele origin: germline.
Comment: This sequence change replaces arginine, which is basic and polar, with tryptophan, which is neutral and slightly polar, at codon 248 of the GORAB protein (p.Arg248Trp). This variant is present in population databases (no rsID available, gnomAD 0.01%). This variant has not been reported in the literature in individuals affected with GORAB-related conditions. Algorithms developed to predict the effect of missense changes on protein structure and function (SIFT, PolyPhen-2, Align-GVGD) all suggest that this variant is likely to be disruptive. In summary, the available evidence is currently insufficient to determine the role of this variant in disease. Therefore, it has been classified as a Variant of Uncertain Significance.